The following is an entry in ClinVar:

ClinVar aggregate classification (germline): Uncertain significance (1 of 4 stars; one submission).

Allele frequency attached by ClinVar (database versions not stated): TOPMed 0.00001; gnomAD 0.00002; ExAC 0.00004; gnomAD exomes 0.00004.
gnomAD v4.1: 61 of 1,612,884 alleles (0.0038%); highest among the groups gnomAD compares: Non-Finnish European, 0.0052%; no homozygotes.

Submission:

Labcorp Genetics (formerly Invitae), Labcorp
Classification: Uncertain significance. Last evaluated: 2022-10-17. Review status: criteria provided, single submitter. Criteria: Invitae Variant Classification Sherloc (09022015). Collection method: clinical testing. Allele origin: germline.
Comment: This sequence change replaces glutamic acid, which is acidic and polar, with lysine, which is basic and polar, at codon 451 of the CYP2R1 protein (p.Glu451Lys). This variant is present in population databases (rs782741911, gnomAD 0.007%). This variant has not been reported in the literature in individuals affected with CYP2R1-related conditions. Algorithms developed to predict the effect of missense changes on protein structure and function (SIFT, PolyPhen-2, Align-GVGD) all suggest that this variant is likely to be disruptive. In summary, the available evidence is currently insufficient to determine the role of this variant in disease. Therefore, it has been classified as a Variant of Uncertain Significance.

NM_024514.5(CYP2R1):c.1351G>A (p.Glu451Lys)

Genes: CYP2R1 (cytochrome P450 family 2 subfamily R member 1; minus strand), PDE3B (phosphodiesterase 3B; plus strand). Cytogenetic location: 11p15.2.
Variant type: single nucleotide variant.
Coding change: c.1351G>A on transcript NM_024514.5 (MANE Select); coding-DNA position 1351, G replaced by A.
Protein change: p.Glu451Lys; replaces glutamic acid 451 with lysine.
Molecular consequence: missense variant. On other transcripts: non-coding transcript variant (12).
Genome position (GRCh38, 1-based): chr11:14,878,277, C>T on the plus strand (G>A on the coding strand, the complement: CYP2R1 is on the minus strand). VCF-style: chr11-14878277-C-T. GRCh37 (hg19) VCF-style: chr11-14899823-C-T.
Other names: c.1006G>A, p.Glu336Lys (NM_001377214.1, NM_001377215.1, NM_001377216.1 and 5 more transcripts); c.1189G>A, p.Glu397Lys (NM_001377217.1); c.652G>A, p.Glu218Lys (NM_001400562.1, NM_001400563.1, NM_001400564.1 and 1 more transcripts); c.373G>A, p.Glu125Lys (NM_001400566.1); c.1207G>A, p.Glu403Lys (NM_001400567.1); c.1306G>A, p.Glu436Lys (NM_001400568.1); short protein forms E125K, E336K, E218K, E436K, E397K, E403K, E451K.
Identifiers: ClinVar variation 2138093 (VCV002138093.3), dbSNP rs782741911, ClinGen allele CA5896489.